The following is an entry in ClinVar:

NM_015662.3(IFT172):c.2891G>A (p.Cys964Tyr)

Gene: IFT172 (intraflagellar transport 172; minus strand). Cytogenetic location: 2p23.3.
Variant type: single nucleotide variant.
Coding change: c.2891G>A on transcript NM_015662.3 (MANE Select); coding-DNA position 2891, G replaced by A.
Protein change: p.Cys964Tyr; replaces cysteine 964 with tyrosine.
Molecular consequence: missense variant.
Genome position (GRCh38, 1-based): chr2:27,458,210, C>T on the plus strand (G>A on the coding strand, the complement: IFT172 is on the minus strand). VCF-style: chr2-27458210-C-T. GRCh37 (hg19) VCF-style: chr2-27681077-C-T.
Other names: c.2825G>A, p.Cys942Tyr (NM_001410739.1); short protein forms C942Y, C964Y.
Identifiers: ClinVar variation 1915069 (VCV001915069.4), dbSNP rs1666331638, ClinGen allele CA346381324.

ClinVar aggregate classification (germline): Uncertain significance (1 of 4 stars; one submission).

Conditions:
Retinitis pigmentosa 71 (RP71). Identifiers: Orphanet 791, MedGen C4225342, MONDO:0014618, OMIM 616394.
Short-rib thoracic dysplasia 10 with or without polydactyly (SRTD10). Identifiers: Orphanet 474, MedGen C3810175, MONDO:0014284, OMIM 615630.

Allele frequency attached by ClinVar (database versions not stated): gnomAD 0.00001.
gnomAD v4.1: 1 of 1,614,050 alleles (0.000062%); highest among the groups gnomAD compares: Non-Finnish European, 0.000085%; no homozygotes.

Submission:

Labcorp Genetics (formerly Invitae), Labcorp
Classification: Uncertain significance for Retinitis pigmentosa 71; Short-rib thoracic dysplasia 10 with or without polydactyly. Last evaluated: 2023-11-27. Review status: criteria provided, single submitter. Criteria: Invitae Variant Classification Sherloc (09022015). Collection method: clinical testing. Allele origin: germline.
Comment: This sequence change replaces cysteine, which is neutral and slightly polar, with tyrosine, which is neutral and polar, at codon 964 of the IFT172 protein (p.Cys964Tyr). This variant is not present in population databases (gnomAD no frequency). This variant has not been reported in the literature in individuals affected with IFT172-related conditions. ClinVar contains an entry for this variant (Variation ID: 1915069). Advanced modeling of protein sequence and biophysical properties (such as structural, functional, and spatial information, amino acid conservation, physicochemical variation, residue mobility, and thermodynamic stability) performed at Invitae indicates that this missense variant is not expected to disrupt IFT172 protein function with a negative predictive value of 80%. In summary, the available evidence is currently insufficient to determine the role of this variant in disease. Therefore, it has been classified as a Variant of Uncertain Significance.